The following is an entry in ClinVar:

NM_053025.4(MYLK):c.97C>A (p.Pro33Thr)

Gene: MYLK (myosin light chain kinase; minus strand). Cytogenetic location: 3q21.1.
Variant type: single nucleotide variant.
Coding change: c.97C>A on transcript NM_053025.4 (MANE Select); coding-DNA position 97, C replaced by A.
Protein change: p.Pro33Thr; replaces proline 33 with threonine.
Molecular consequence: missense variant. On other transcripts: 5 prime UTR variant (1).
Genome position (GRCh38, 1-based): chr3:123,793,745, G>T on the plus strand (C>A on the coding strand, the complement: MYLK is on the minus strand). VCF-style: chr3-123793745-G-T. GRCh37 (hg19) VCF-style: chr3-123512592-G-T.
Other names: c.-224C>A (NM_001321309.2); c.97C>A, p.Pro33Thr (NM_053026.4, NM_053027.4, NM_053028.4); short protein forms P33T.
Identifiers: ClinVar variation 3339748 (VCV003339748.1).
Genomic context (GRCh38, chr3:123,793,745, plus strand): 5'-CGAACTTGGCGGTGGCTCCTTCTTTGATGCAGAGGTTCCGAGGGGGCAAAATGAAAGCAG[G>T]GGCCTCTGTCAGGGGCATGGAGTCAACTCTTGAGGGATCCACACTGAGGGAGGTTTTGGA-3'
Protein context (NP_444253.3, residues 23-43): RVDSMPLTEA[Pro33Thr]AFILPPRNLC

ClinVar aggregate classification (germline): Uncertain significance (1 of 4 stars; one submission).

Submission:

Women's Health and Genetics/Laboratory Corporation of America, LabCorp
Classification: Uncertain significance. Last evaluated: 2024-06-04. Review status: criteria provided, single submitter. Criteria: LabCorp Variant Classification Summary - May 2015. Collection method: clinical testing. Allele origin: germline.
Comment: Variant summary: MYLK c.97C>A (p.Pro33Thr) results in a non-conservative amino acid change located in the Immunoglobulin-like domain (IPR007110) of the encoded protein sequence. Four of four in-silico tools predict a damaging effect of the variant on protein function. The variant was absent in 251380 control chromosomes. The available data on variant occurrences in the general population are insufficient to allow any conclusion about variant significance. To our knowledge, no occurrence of c.97C>A in individuals affected with Aortopathy and no experimental evidence demonstrating its impact on protein function have been reported. No submitters have cited clinical-significance assessments for this variant to ClinVar. Based on the evidence outlined above, the variant was classified as uncertain significance.